The following is an entry in ClinVar:

NM_001276270.2(MBD4):c.91C>T (p.Pro31Ser)

Gene: MBD4 (methyl-CpG binding domain 4, DNA glycosylase; minus strand). Cytogenetic location: 3q21.3.
Variant type: single nucleotide variant.
Coding change: c.91C>T on transcript NM_001276270.2 (MANE Select); coding-DNA position 91, C replaced by T.
Protein change: p.Pro31Ser; replaces proline 31 with serine.
Molecular consequence: missense variant.
Genome position (GRCh38, 1-based): chr3:129,439,743, G>A on the plus strand (C>T on the coding strand, the complement: MBD4 is on the minus strand). VCF-style: chr3-129439743-G-A. GRCh37 (hg19) VCF-style: chr3-129158586-G-A.
Other names: c.91C>T, p.Pro31Ser (NM_001276271.2, NM_001276272.2, NM_001276273.2 and 1 more transcripts); short protein forms P31S.
Identifiers: ClinVar variation 3543767 (VCV003543767.1).

ClinVar aggregate classification (germline): Uncertain significance (1 of 4 stars; one submission).

Conditions:
Inborn genetic diseases. Identifiers: MedGen C0950123, MeSH D030342.

gnomAD v4.1: 3 of 1,591,264 alleles (0.00019%); highest among the groups gnomAD compares: Non-Finnish European, 0.00026%; no homozygotes.

Submission:

Ambry Genetics
Classification: Uncertain significance for Inborn genetic diseases. Last evaluated: 2024-11-23. Review status: criteria provided, single submitter. Criteria: Ambry Variant Classification Scheme 2023. Collection method: clinical testing. Allele origin: germline.
Comment: The p.P31S variant (also known as c.91C>T), located in coding exon 1 of the MBD4 gene, results from a C to T substitution at nucleotide position 91. The proline at codon 31 is replaced by serine, an amino acid with similar properties. This amino acid position is conserved. In addition, this alteration is predicted to be tolerated by in silico analysis. Based on the available evidence, the clinical significance of this variant remains unclear.